The following is an entry in ClinVar:

Conditions:
Breast-ovarian cancer, familial, susceptibility to, 1 (BROVCA1). Also called: BRCA1 Hereditary Breast and Ovarian Cancer; OVARIAN CANCER, SUSCEPTIBILITY TO. Identifiers: Orphanet 145, MedGen C2676676, MONDO:0011450, OMIM 604370. Disease mechanism: loss of function.

Submission:

Brotman Baty Institute, University of Washington
No classification provided (evidence only). Condition: Breast-ovarian cancer, familial 1. Review status: no classification provided. Collection method: in vitro. Allele origin: not applicable. Functional consequence: functionally_normal.
ClinVar note: "not provided" was previously submitted as the classification for the variant. However, the classification appeared to be based only on an observation of functional data so it was converted to no classification on 2025-07-30.

NM_007294.4(BRCA1):c.15T>G (p.Ala5=)

Gene: BRCA1 (BRCA1 DNA repair associated; minus strand). Cytogenetic location: 17q21.31.
Variant type: single nucleotide variant.
Coding change: c.15T>G on transcript NM_007294.4 (MANE Select); coding-DNA position 15, T replaced by G.
Protein change: p.Ala5=; no amino-acid change (alanine 5 retained).
Molecular consequence: synonymous variant. On other transcripts: 5 prime UTR variant (136), intron variant (36).
Genome position (GRCh38, 1-based): chr17:43,124,082, A>C on the plus strand (T>G on the coding strand, the complement: BRCA1 is on the minus strand). VCF-style: chr17-43124082-A-C. GRCh37 (hg19) VCF-style: chr17-41276099-A-C.
Other names: c.15T>G, p.Ala5= (NM_001407597.1, NM_001407598.1, NM_001407602.1 and 193 more transcripts); c.-243T>G (NM_001407694.1, NM_001407724.1, NM_001407727.1 and 11 more transcripts); c.-247T>G (NM_001407695.1, NM_001408465.1); c.-388T>G (NM_001407696.1); c.-272T>G (NM_001407697.1, NM_001407846.1, NM_001407920.1); c.-73T>G (NM_001407698.1, NM_001407732.1, NM_001407736.1 and 23 more transcripts); c.-246T>G (NM_001407725.1, NM_001407730.1, NM_001407734.1 and 22 more transcripts); c.-192T>G (NM_001407726.1, NM_001407751.1); and 23 more.
Identifiers: ClinVar variation 868695 (VCV000868695.3), dbSNP rs1339036647, ClinGen allele CA500131487.